The following is an entry in ClinVar:

ClinVar aggregate classification (germline): Uncertain significance (1 of 4 stars; one submission).

Conditions:
Familial thoracic aortic aneurysm and aortic dissection (TAAD). Also called: Thoracic aortic aneurysms and dissections. Identifiers: Orphanet 91387, MedGen C4707243, MONDO:0019625.

Allele frequency attached by ClinVar (database versions not stated): gnomAD exomes below 0.00001.
gnomAD v4.1: 1 of 1,612,860 alleles (0.000062%); highest among the groups gnomAD compares: South Asian, 0.0011%; no homozygotes.

Submission:

Color Diagnostics, LLC DBA Color Health
Classification: Uncertain significance for Familial thoracic aortic aneurysm and aortic dissection. Last evaluated: 2023-12-05. Review status: criteria provided, single submitter. Criteria: ACMG Guidelines, 2015. Collection method: clinical testing. Allele origin: germline.
Comment: This missense variant replaces alanine with serine at codon 1079 of the COL3A1 protein. Computational prediction tools and conservation analyses are inconclusive regarding the impact of this variant on the protein function. Computational splicing tools suggest that this variant may not impact RNA splicing. To our knowledge, functional assays have not been performed for this variant nor has this variant been reported in individuals affected with cardiovascular disorders in the literature. This variant has not been identified in the general population by the Genome Aggregation Database (gnomAD). Available evidence is insufficient to determine the role of this variant in disease conclusively. Therefore, this variant is classified as a Variant of Uncertain Significance.

NM_000090.4(COL3A1):c.3235G>T (p.Ala1079Ser)

Gene: COL3A1 (collagen type III alpha 1 chain; plus strand). Cytogenetic location: 2q32.2.
Variant type: single nucleotide variant.
Coding change: c.3235G>T on transcript NM_000090.4 (MANE Select); coding-DNA position 3235, G replaced by T.
Protein change: p.Ala1079Ser; replaces alanine 1079 with serine.
Molecular consequence: missense variant.
Genome position (GRCh38, 1-based): chr2:189,006,970, G>T. VCF-style: chr2-189006970-G-T. GRCh37 (hg19) VCF-style: chr2-189871696-G-T.
Other names: short protein forms A1079S.
Identifiers: ClinVar variation 927345 (VCV000927345.5), dbSNP rs1688599491, ClinGen allele CA349845289.